The following is an entry in ClinVar:

NM_001377.3(DYNC2H1):c.3337A>G (p.Asn1113Asp)

Gene: DYNC2H1 (dynein cytoplasmic 2 heavy chain 1; plus strand). Cytogenetic location: 11q22.3.
Variant type: single nucleotide variant.
Coding change: c.3337A>G on transcript NM_001377.3 (MANE Select); coding-DNA position 3337, A replaced by G.
Protein change: p.Asn1113Asp; replaces asparagine 1113 with aspartic acid.
Molecular consequence: missense variant.
Genome position (GRCh38, 1-based): chr11:103,154,485, A>G. VCF-style: chr11-103154485-A-G. GRCh37 (hg19) VCF-style: chr11-103025214-A-G.
Other names: c.3337A>G, p.Asn1113Asp (NM_001080463.2); short protein forms N1113D.
Identifiers: ClinVar variation 944344 (VCV000944344.7), dbSNP rs1425616959, ClinGen allele CA382272938.

ClinVar aggregate classification (germline): Uncertain significance. Review status: criteria provided, multiple submitters, no conflicts (2 of 4 stars). 2 submissions from 2 submitters: Uncertain significance (2). Last evaluated 2023-11-21.

Conditions:
Inborn genetic diseases. Identifiers: MedGen C0950123, MeSH D030342.
Jeune thoracic dystrophy. Also called: Jeune syndrome; Infantile thoracic dystrophy; Thoracic pelvic phalangeal dystrophy; Jeune's syndrome; Chondroectodermal dysplasia-like syndrome; Short-rib thoracic dysplasia. Identifiers: Orphanet 474, MedGen C0265275, MONDO:0018770.

Allele frequency attached by ClinVar (database versions not stated): gnomAD exomes below 0.00001; gnomAD 0.00001; TOPMed 0.00004.
gnomAD v4.1: 7 of 1,556,914 alleles (0.00045%); highest among the groups gnomAD compares: African/African-American, 0.0014%; no homozygotes.

Submissions (2):

Ambry Genetics
Classification: Uncertain significance for Inborn genetic diseases. Last evaluated: 2023-11-21. Review status: criteria provided, single submitter. Criteria: Ambry Variant Classification Scheme 2023. Collection method: clinical testing. Allele origin: germline.

Labcorp Genetics (formerly Invitae), Labcorp
Classification: Uncertain significance for Jeune thoracic dystrophy. Last evaluated: 2022-08-20. Review status: criteria provided, single submitter. Criteria: Invitae Variant Classification Sherloc (09022015). Collection method: clinical testing. Allele origin: germline.
Comment: This sequence change replaces asparagine, which is neutral and polar, with aspartic acid, which is acidic and polar, at codon 1113 of the DYNC2H1 protein (p.Asn1113Asp). This variant is not present in population databases (gnomAD no frequency). This variant has not been reported in the literature in individuals affected with DYNC2H1-related conditions. ClinVar contains an entry for this variant (Variation ID: 944344). Advanced modeling of protein sequence and biophysical properties (such as structural, functional, and spatial information, amino acid conservation, physicochemical variation, residue mobility, and thermodynamic stability) performed at Invitae indicates that this missense variant is not expected to disrupt DYNC2H1 protein function. In summary, the available evidence is currently insufficient to determine the role of this variant in disease. Therefore, it has been classified as a Variant of Uncertain Significance.